The following is an entry in ClinVar:

NM_001606.5(ABCA2):c.4990C>T (p.Arg1664Trp)

Gene: ABCA2 (ATP binding cassette subfamily A member 2; minus strand). Cytogenetic location: 9q34.3.
Variant type: single nucleotide variant.
Coding change: c.4990C>T on transcript NM_001606.5 (MANE Select); coding-DNA position 4990, C replaced by T.
Protein change: p.Arg1664Trp; replaces arginine 1664 with tryptophan.
Molecular consequence: missense variant.
Genome position (GRCh38, 1-based): chr9:137,012,803, G>A on the plus strand (C>T on the coding strand, the complement: ABCA2 is on the minus strand). VCF-style: chr9-137012803-G-A. GRCh37 (hg19) VCF-style: chr9-139907255-G-A.
Other names: c.5080C>T (NM_212533.2); c.5080C>T, p.Arg1694Trp (NM_212533.3); short protein forms R1664W, R1694W.
Identifiers: ClinVar variation 1683577 (VCV001683577.6), dbSNP rs779765877, ClinGen allele CA5354213.

ClinVar aggregate classification (germline): Uncertain significance. Review status: criteria provided, multiple submitters, no conflicts (2 of 4 stars). 3 submissions from 3 submitters: Uncertain significance (3). Last evaluated 2025-09-24.

Conditions:
Intellectual developmental disorder with poor growth and with or without seizures or ataxia. Identifiers: MedGen C5394135, MONDO:0032930, OMIM 618808.

Allele frequency attached by ClinVar (database versions not stated): gnomAD exomes 0.00005 and 0.00003; gnomAD 0.00007; TOPMed 0.00005; ExAC 0.00011.
gnomAD v4.1: 53 of 1,611,736 alleles (0.0033%); highest among the groups gnomAD compares: Non-Finnish European, 0.0036%; no homozygotes.

Submissions (3):

Dasa
Classification: Uncertain significance. Last evaluated: 2025-09-24. Review status: criteria provided, single submitter. Criteria: DASA Assertion Criteria. Collection method: clinical testing. Allele origin: germline.
Comment: NM_001606.5(ABCA2):c.4990C>T (p.Arg1664Trp) is a missense variant that results in the substitution of arginine with tryptophan. This variant is rare in population databases. The currently available literature and clinical evidence are not sufficient to establish a definitive association between this variant and the reported condition. Therefore, this variant is classified as a variant of uncertain significance.

Ambry Genetics
Classification: Uncertain significance. Last evaluated: 2023-04-20. Review status: criteria provided, single submitter. Criteria: Ambry Variant Classification Scheme 2023. Collection method: clinical testing. Allele origin: germline.

Laboratorio de Genetica e Diagnostico Molecular, Hospital Israelita Albert Einstein
Classification: Uncertain significance for Intellectual developmental disorder with poor growth and with or without seizures or ataxia. Last evaluated: 2022-01-15. Review status: criteria provided, single submitter. Criteria: ACMG Guidelines, 2015. Collection method: clinical testing. Allele origin: germline. Affected: yes.
Comment: ACMG classification criteria: PM2 moderate